The following is an entry in ClinVar:

ClinVar aggregate classification (germline): Uncertain significance (1 of 4 stars; one submission).

Conditions:
POLD1-related polyposis and colorectal cancer syndrome (CRCS10). Also called: Colorectal cancer 10; COLORECTAL CANCER, SUSCEPTIBILITY TO, ON CHROMOSOME 19q; Colorectal cancer, susceptibility to, 10. Identifiers: Orphanet 220460, MedGen C2675481, MONDO:0012953, OMIM 612591.

Submission:

Labcorp Genetics (formerly Invitae), Labcorp
Classification: Uncertain significance for POLD1-related polyposis and colorectal cancer syndrome. Last evaluated: 2022-02-19. Review status: criteria provided, single submitter. Criteria: Invitae Variant Classification Sherloc (09022015). Collection method: clinical testing. Allele origin: germline.
Comment: This variant is not present in population databases (gnomAD no frequency). This variant has not been reported in the literature in individuals affected with POLD1-related conditions. ClinVar contains an entry for this variant (Variation ID: 1057803). This sequence change replaces arginine, which is basic and polar, with glycine, which is neutral and non-polar, at codon 177 of the POLD1 protein (p.Arg177Gly). Algorithms developed to predict the effect of missense changes on protein structure and function are either unavailable or do not agree on the potential impact of this missense change (SIFT: "Deleterious"; PolyPhen-2: "Probably Damaging"; Align-GVGD: "Class C0"). In summary, the available evidence is currently insufficient to determine the role of this variant in disease. Therefore, it has been classified as a Variant of Uncertain Significance.

NM_002691.4(POLD1):c.529C>G (p.Arg177Gly)

Gene: POLD1 (DNA polymerase delta 1, catalytic subunit; plus strand). Cytogenetic location: 19q13.33.
Variant type: single nucleotide variant.
Coding change: c.529C>G on transcript NM_002691.4 (MANE Select); coding-DNA position 529, C replaced by G.
Protein change: p.Arg177Gly; replaces arginine 177 with glycine.
Molecular consequence: missense variant. On other transcripts: non-coding transcript variant (1).
Genome position (GRCh38, 1-based): chr19:50,402,064, C>G. VCF-style: chr19-50402064-C-G. GRCh37 (hg19) VCF-style: chr19-50905321-C-G.
Other names: c.529C>G, p.Arg177Gly (NM_001256849.1, NM_001308632.1); short protein forms R177G.
Identifiers: ClinVar variation 1057803 (VCV001057803.10), dbSNP rs760402496, ClinGen allele CA406973185.